The following is an entry in ClinVar:

ClinVar aggregate classification (germline): Uncertain significance (1 of 4 stars; one submission).

Allele frequency attached by ClinVar (database versions not stated): gnomAD exomes below 0.00001; TOPMed below 0.00001; ExAC 0.00001.
gnomAD v4.1: 3 of 1,613,250 alleles (0.00019%); highest among the groups gnomAD compares: Middle Eastern, 0.016%; no homozygotes.

Submission:

Labcorp Genetics (formerly Invitae), Labcorp
Classification: Uncertain significance. Last evaluated: 2023-05-15. Review status: criteria provided, single submitter. Criteria: Invitae Variant Classification Sherloc (09022015). Collection method: clinical testing. Allele origin: germline.
Comment: This sequence change replaces glutamine, which is neutral and polar, with histidine, which is basic and polar, at codon 920 of the AP3B2 protein (p.Gln920His). In summary, the available evidence is currently insufficient to determine the role of this variant in disease. Therefore, it has been classified as a Variant of Uncertain Significance. An algorithm developed to predict the effect of missense changes on protein structure and function (PolyPhen-2) suggests that this variant is likely to be tolerated. ClinVar contains an entry for this variant (Variation ID: 2125930). This variant has not been reported in the literature in individuals affected with AP3B2-related conditions. This variant is present in population databases (rs780530606, gnomAD 0.01%).

NM_001278512.2(AP3B2):c.2817A>C (p.Gln939His)

Genes: AP3B2 (adaptor related protein complex 3 subunit beta 2; minus strand), CPEB1-AS1 (CPEB1 antisense RNA 1; plus strand). Cytogenetic location: 15q25.2.
Variant type: single nucleotide variant.
Coding change: c.2817A>C on transcript NM_001278512.2 (MANE Select); coding-DNA position 2817, A replaced by C.
Protein change: p.Gln939His; replaces glutamine 939 with histidine.
Molecular consequence: missense variant.
Genome position (GRCh38, 1-based): chr15:82,662,710, T>G on the plus strand (A>C on the coding strand, the complement: AP3B2 is on the minus strand). VCF-style: chr15-82662710-T-G. GRCh37 (hg19) VCF-style: chr15-83331462-T-G.
Other names: c.2664A>C, p.Gln888His (NM_001278511.2); c.2760A>C, p.Gln920His (NM_004644.5); short protein forms Q888H, Q920H, Q939H.
Identifiers: ClinVar variation 2125930 (VCV002125930.4), dbSNP rs780530606, ClinGen allele CA7699795.